The following is an entry in ClinVar:

ClinVar aggregate classification (germline): Uncertain significance. Review status: criteria provided, multiple submitters, no conflicts (2 of 4 stars). 4 submissions from 4 submitters: Uncertain significance (4). Last evaluated 2024-07-09.

Conditions:
Inborn genetic diseases. Identifiers: MedGen C0950123, MeSH D030342.
Klippel-Feil anomaly-myopathy-facial dysmorphism syndrome. Also called: Klippel-feil syndrome 4, autosomal recessive, with nemaline myopathy and facial dysmorphism; Klippel-Feil syndrome 4, autosomal recessive, with myopathy and facial dysmorphism. Identifiers: Orphanet 447974, MedGen C4225285, MONDO:0014689, OMIM 616549.

Allele frequency attached by ClinVar (database versions not stated): gnomAD 0.00011; TOPMed 0.00018; gnomAD exomes 0.00021; ExAC 0.00028.
gnomAD v4.1: 187 of 1,610,706 alleles (0.012%); highest among the groups gnomAD compares: Middle Eastern, 0.086%; no homozygotes.

Submissions (4):

Ambry Genetics
Classification: Uncertain significance for Inborn genetic diseases. Last evaluated: 2024-07-09. Review status: criteria provided, single submitter. Criteria: Ambry Variant Classification Scheme 2023. Collection method: clinical testing. Allele origin: germline.

Revvity Omics, Revvity
Classification: Uncertain significance for Klippel-Feil anomaly-myopathy-facial dysmorphism syndrome. Last evaluated: 2022-12-10. Review status: criteria provided, single submitter. Criteria: ACMG Guidelines, 2015. Collection method: clinical testing. Allele origin: germline.

Labcorp Genetics (formerly Invitae), Labcorp
Classification: Uncertain significance. Last evaluated: 2022-08-27. Review status: criteria provided, single submitter. Criteria: Invitae Variant Classification Sherloc (09022015). Collection method: clinical testing. Allele origin: germline.
Comment: This sequence change replaces isoleucine, which is neutral and non-polar, with valine, which is neutral and non-polar, at codon 1952 of the MYO18B protein (p.Ile1952Val). This variant is present in population databases (rs202126120, gnomAD 0.06%). This variant has not been reported in the literature in individuals affected with MYO18B-related conditions. ClinVar contains an entry for this variant (Variation ID: 1163671). Algorithms developed to predict the effect of missense changes on protein structure and function output the following: SIFT: "Not Available"; PolyPhen-2: "Benign"; Align-GVGD: "Not Available". The valine amino acid residue is found in multiple mammalian species, which suggests that this missense change does not adversely affect protein function. In summary, the available evidence is currently insufficient to determine the role of this variant in disease. Therefore, it has been classified as a Variant of Uncertain Significance.

Mayo Clinic Laboratories, Mayo Clinic
Classification: Uncertain significance. Last evaluated: 2019-06-17. Review status: criteria provided, single submitter. Criteria: ACMG Guidelines, 2015. Collection method: clinical testing. Allele origin: germline. Observed: 1 variant allele.

NM_032608.7(MYO18B):c.5854A>G (p.Ile1952Val)

Gene: MYO18B (myosin XVIIIB; plus strand). Cytogenetic location: 22q12.1.
Variant type: single nucleotide variant.
Coding change: c.5854A>G on transcript NM_032608.7 (MANE Select); coding-DNA position 5854, A replaced by G.
Protein change: p.Ile1952Val; replaces isoleucine 1952 with valine.
Molecular consequence: missense variant.
Genome position (GRCh38, 1-based): chr22:25,952,307, A>G. VCF-style: chr22-25952307-A-G. GRCh37 (hg19) VCF-style: chr22-26348273-A-G.
Other names: c.5857A>G, p.Ile1953Val (NM_001318245.2); c.5854A>G (NM_032608.5); short protein forms I1952V, I1953V.
Identifiers: ClinVar variation 1163671 (VCV001163671.12), dbSNP rs202126120, ClinGen allele CA10161312.